The following is an entry in ClinVar:

ClinVar aggregate classification (germline): Uncertain significance (1 of 4 stars; one submission).

Submission:

Ambry Genetics
Classification: Uncertain significance. Last evaluated: 2024-11-10. Review status: criteria provided, single submitter. Criteria: Ambry Variant Classification Scheme 2023. Collection method: clinical testing. Allele origin: germline.
Comment: The p.S914R variant (also known as c.2740A>C), located in coding exon 16 of the POLQ gene, results from an A to C substitution at nucleotide position 2740. The serine at codon 914 is replaced by arginine, an amino acid with dissimilar properties. This amino acid position is conserved. In addition, this alteration is predicted to be tolerated by in silico analysis. Based on the available evidence, the clinical significance of this variant remains unclear.

NM_199420.4(POLQ):c.2740A>C (p.Ser914Arg)

Gene: POLQ (DNA polymerase theta; minus strand). Cytogenetic location: 3q13.33.
Variant type: single nucleotide variant.
Coding change: c.2740A>C on transcript NM_199420.4 (MANE Select); coding-DNA position 2740, A replaced by C.
Protein change: p.Ser914Arg; replaces serine 914 with arginine.
Molecular consequence: missense variant.
Genome position (GRCh38, 1-based): chr3:121,490,191, T>G on the plus strand (A>C on the coding strand, the complement: POLQ is on the minus strand). VCF-style: chr3-121490191-T-G. GRCh37 (hg19) VCF-style: chr3-121209038-T-G.
Other names: short protein forms S914R.
Identifiers: ClinVar variation 3422654 (VCV003422654.1).